The following is an entry in ClinVar:

ClinVar aggregate classification (germline): Uncertain significance. Review status: criteria provided, multiple submitters, no conflicts (2 of 4 stars). 2 submissions from 2 submitters: Uncertain significance (2). Last evaluated 2025-01-07.

Conditions:
Inborn genetic diseases. Identifiers: MedGen C0950123, MeSH D030342.

Allele frequency attached by ClinVar (database versions not stated): TOPMed below 0.00001; gnomAD 0.00001; gnomAD exomes 0.00001.
gnomAD v4.1: 7 of 1,538,412 alleles (0.00046%); highest among the groups gnomAD compares: Non-Finnish European, 0.00062%; no homozygotes.

Submissions (2):

Ambry Genetics
Classification: Uncertain significance for Inborn genetic diseases. Last evaluated: 2025-01-07. Review status: criteria provided, single submitter. Criteria: Ambry Variant Classification Scheme 2023. Collection method: clinical testing. Allele origin: germline.

Labcorp Genetics (formerly Invitae), Labcorp
Classification: Uncertain significance. Last evaluated: 2021-09-17. Review status: criteria provided, single submitter. Criteria: Invitae Variant Classification Sherloc (09022015). Collection method: clinical testing. Allele origin: germline.
Comment: This sequence change replaces cysteine with tryptophan at codon 1533 of the MYO7A protein (p.Cys1533Trp). The cysteine residue is weakly conserved and there is a large physicochemical difference between cysteine and tryptophan. The frequency data for this variant in the population databases is considered unreliable, as metrics indicate insufficient coverage at this position in the ExAC database. This variant has not been reported in the literature in individuals affected with MYO7A-related conditions. Advanced modeling of protein sequence and biophysical properties (such as structural, functional, and spatial information, amino acid conservation, physicochemical variation, residue mobility, and thermodynamic stability) performed at Invitae indicates that this missense variant is not expected to disrupt MYO7A protein function. Algorithms developed to predict the effect of sequence changes on RNA splicing suggest that this variant may create or strengthen a splice site. In summary, the available evidence is currently insufficient to determine the role of this variant in disease. Therefore, it has been classified as a Variant of Uncertain Significance.

NM_000260.4(MYO7A):c.4599C>G (p.Cys1533Trp)

Gene: MYO7A (myosin VIIA; plus strand). Cytogenetic location: 11q13.5.
Variant type: single nucleotide variant.
Coding change: c.4599C>G on transcript NM_000260.4 (MANE Select); coding-DNA position 4599, C replaced by G.
Protein change: p.Cys1533Trp; replaces cysteine 1533 with tryptophan.
Molecular consequence: missense variant. On other transcripts: intron variant (2).
Genome position (GRCh38, 1-based): chr11:77,199,565, C>G. VCF-style: chr11-77199565-C-G. GRCh37 (hg19) VCF-style: chr11-76910610-C-G.
Other names: c.4536-84C>G (NM_001369365.1); c.4569-84C>G (NM_001127180.2); c.4599C>G (NM_000260.3); short protein forms C1533W.
Identifiers: ClinVar variation 1465229 (VCV001465229.6), dbSNP rs954336179, ClinGen allele CA224849238.